The following is an entry in ClinVar:

NM_004260.4(RECQL4):c.3609_3611del (p.Leu1204del)

Gene: RECQL4 (RecQ like helicase 4; minus strand). Cytogenetic location: 8q24.3.
Variant type: Deletion.
Coding change: c.3609_3611del on transcript NM_004260.4 (MANE Select); coding-DNA positions 3609 to 3611, 3 bases deleted (CCT; older notation c.3609_3611delCCT).
Protein change: p.Leu1204del; deletes leucine 1204.
Molecular consequence: inframe deletion.
Genome position (GRCh38, 1-based): chr8:144,511,447-144,511,449, AGG deleted on the plus strand (CCT on the coding strand, the reverse complement: RECQL4 is on the minus strand); deleting any 3 consecutive bases within chr8:144,511,447-144,511,451 gives the same sequence; the c. name uses the placement nearest the transcript's 3' end. VCF-style (leftmost placement, unchanged base first): chr8-144511446-CAGG-C. GRCh37 (hg19) VCF-style: chr8-145736829-CAGG-C.
Other names: c.3609_3611delCCT (NM_004260.3); short protein forms L1204del.
Identifiers: ClinVar variation 459494 (VCV000459494.3), dbSNP rs1554895414, ClinGen allele CA658657841.

ClinVar aggregate classification (germline): Uncertain significance (1 of 4 stars; one submission).

Conditions:
Baller-Gerold syndrome (BGS). Also called: CRANIOSYNOSTOSIS WITH RADIAL DEFECTS. Identifiers: Orphanet 1225, MedGen C0265308, MONDO:0009039, OMIM 218600.

Submission:

Labcorp Genetics (formerly Invitae), Labcorp
Classification: Uncertain significance for Baller-Gerold syndrome. Last evaluated: 2017-03-02. Review status: criteria provided, single submitter. Criteria: Invitae Variant Classification Sherloc (09022015). Collection method: clinical testing. Allele origin: germline.
Comment: This variant is not present in population databases (ExAC no frequency) and has not been reported in the literature in individuals with a RECQL4-related disease. In summary, this is a novel in-frame deletion with uncertain impact on protein function. It has been classified as a Variant of Uncertain Significance. Experimental studies and prediction algorithms are not available for this variant, and the functional significance of the deleted amino acid is currently unknown. This sequence change deletes 3 nucleotides from exon 21 of the RECQL4 mRNA (c.3609_3611delCCT). This leads to the deletion of 1 amino acid residue in the RECQL4 protein (p.Leu1204del) but otherwise preserves the integrity of the reading frame.